The following is an entry in ClinVar:

NM_001453.3(FOXC1):c.903G>A (p.Pro301=)

Gene: FOXC1 (forkhead box C1; plus strand). Cytogenetic location: 6p25.3.
Variant type: single nucleotide variant.
Coding change: c.903G>A on transcript NM_001453.3 (MANE Select); coding-DNA position 903, G replaced by A.
Protein change: p.Pro301=; no amino-acid change (proline 301 retained).
Molecular consequence: synonymous variant.
Genome position (GRCh38, 1-based): chr6:1,611,348, G>A. VCF-style: chr6-1611348-G-A. GRCh37 (hg19) VCF-style: chr6-1611583-G-A.
Identifiers: ClinVar variation 3641986 (VCV003641986.2).

ClinVar aggregate classification (germline): Uncertain significance (1 of 4 stars; one submission).

Conditions:
Axenfeld-Rieger syndrome type 3 (RIEG3). Also called: AXENFELD-RIEGER ANOMALY WITH CARDIAC DEFECTS AND/OR SENSORINEURAL HEARING LOSS. Identifiers: Orphanet 782, MedGen C2678503, MONDO:0011233, OMIM 602482.

Submission:

Labcorp Genetics (formerly Invitae), Labcorp
Classification: Uncertain significance for Axenfeld-Rieger syndrome type 3. Last evaluated: 2024-02-19. Review status: criteria provided, single submitter. Criteria: Invitae Variant Classification Sherloc (09022015). Collection method: clinical testing. Allele origin: germline.
Comment: This sequence change affects codon 301 of the FOXC1 mRNA. It is a 'silent' change, meaning that it does not change the encoded amino acid sequence of the FOXC1 protein. This variant is not present in population databases (gnomAD no frequency). This variant has not been reported in the literature in individuals affected with FOXC1-related conditions. In summary, the available evidence is currently insufficient to determine the role of this variant in disease. Therefore, it has been classified as a Variant of Uncertain Significance.